The following is an entry in ClinVar:

ClinVar aggregate classification (germline): Pathogenic (1 of 4 stars; one submission).

Submission:

Labcorp Genetics (formerly Invitae), Labcorp
Classification: Pathogenic. Last evaluated: 2020-02-06. Review status: criteria provided, single submitter. Criteria: Invitae Variant Classification Sherloc (09022015). Collection method: clinical testing. Allele origin: germline.
Comment: For these reasons, this variant has been classified as Pathogenic. Donor and acceptor splice site variants typically lead to a loss of protein function (PMID: 16199547), and loss-of-function variants in PHEX are known to be pathogenic (PMID: 9097956, 9106524, 19219621). Algorithms developed to predict the effect of sequence changes on RNA splicing suggest that this variant may disrupt the consensus splice site, but this prediction has not been confirmed by published transcriptional studies. Disruption of this splice site has been observed in individual(s) with hypophosphatemic rickets (PMID: 10439971, 24857004, 19219621, 18625346, Invitae). This variant is not present in population databases (ExAC no frequency). This sequence change affects a donor splice site in intron 15 of the PHEX gene. It is expected to disrupt RNA splicing and likely results in an absent or disrupted protein product.

Literature cited by the submitters: PubMed 16199547; PubMed 9097956; PubMed 9106524; PubMed 19219621; PubMed 10439971; PubMed 24857004; PubMed 18625346.

NM_000444.6(PHEX):c.1645+2T>G

Gene: PHEX (phosphate regulating endopeptidase X-linked; plus strand). Cytogenetic location: Xp22.11.
Variant type: single nucleotide variant.
Coding change: c.1645+2T>G on transcript NM_000444.6 (MANE Select); the canonical splice donor site of the intron after coding-DNA position 1645, T replaced by G.
Molecular consequence: splice donor variant.
Genome position (GRCh38, 1-based): chrX:22,190,504, T>G. VCF-style: chrX-22190504-T-G. GRCh37 (hg19) VCF-style: chrX-22208621-T-G.
Other names: c.1645+2T>G (NM_001282754.2).
Identifiers: ClinVar variation 1070333 (VCV001070333.10), dbSNP rs2147139131, ClinGen allele CA412575156.